The following is an entry in ClinVar:

ClinVar aggregate classification (germline): Uncertain significance (1 of 4 stars; one submission).

Conditions:
Familial thoracic aortic aneurysm and aortic dissection (TAAD). Also called: Thoracic aortic aneurysms and dissections. Identifiers: Orphanet 91387, MedGen C4707243, MONDO:0019625.

Submission:

All of Us Research Program, National Institutes of Health
Classification: Uncertain significance for Familial thoracic aortic aneurysm and aortic dissection. Last evaluated: 2024-02-22. Review status: criteria provided, single submitter. Criteria: ACMG Guidelines, 2015. Collection method: clinical testing. Allele origin: germline. Inheritance: Autosomal dominant inheritance. Observed: 1 variant allele, 1 heterozygote.
Comment: This missense variant replaces isoleucine with leucine at codon 324 of the MYH11 protein. Computational prediction is inconclusive regarding the impact of this variant on protein structure and function (internally defined REVEL score threshold 0.5 < inconclusive < 0.7, PMID: 27666373). To our knowledge, functional studies have not been reported for this variant. This variant has not been reported in individuals affected with MYH11-related disorders in the literature. This variant has not been identified in the general population by the Genome Aggregation Database (gnomAD). The available evidence is insufficient to determine the role of this variant in disease conclusively. Therefore, this variant is classified as a Variant of Uncertain Significance.

This study involves interpretation of variants in research participants for the purpose of population health screening. Participant phenotype was not available at the time of variant classification. Additional details can be found in publication PMID: 35346344, PMCID: PMC8962531

NM_002474.3(MYH11):c.949A>C (p.Ile317Leu)

Gene: MYH11 (myosin heavy chain 11; minus strand). Cytogenetic location: 16p13.11.
Variant type: single nucleotide variant.
Coding change: c.949A>C on transcript NM_002474.3 (MANE Select); coding-DNA position 949, A replaced by C.
Protein change: p.Ile317Leu; replaces isoleucine 317 with leucine.
Molecular consequence: missense variant.
Genome position (GRCh38, 1-based): chr16:15,771,653, T>G on the plus strand (A>C on the coding strand, the complement: MYH11 is on the minus strand). VCF-style: chr16-15771653-T-G. GRCh37 (hg19) VCF-style: chr16-15865510-T-G.
Other names: c.970A>C, p.Ile324Leu (NM_001040113.2, NM_001040114.2); c.949A>C, p.Ile317Leu (NM_022844.3); short protein forms I317L, I324L.
Identifiers: ClinVar variation 3387249 (VCV003387249.1).